The following is an entry in ClinVar:

ClinVar aggregate classification (germline): Benign/Likely benign. Review status: criteria provided, multiple submitters, no conflicts (2 of 4 stars). 3 submissions from 3 submitters: Benign (1); Likely benign (2). Last evaluated 2025-12-18.

Conditions:
POLD1-related polyposis and colorectal cancer syndrome (CRCS10). Also called: Colorectal cancer, susceptibility to, 10; Colorectal cancer 10; COLORECTAL CANCER, SUSCEPTIBILITY TO, ON CHROMOSOME 19q. Identifiers: Orphanet 220460, MedGen C2675481, MONDO:0012953, OMIM 612591.
Hereditary cancer-predisposing syndrome. Also called: Neoplastic Syndromes, Hereditary; Hereditary neoplastic syndrome; Hereditary Cancer Syndrome; Tumor predisposition. Identifiers: Orphanet 140162, MedGen C0027672, MeSH D009386, MONDO:0015356.

Allele frequency attached by ClinVar (database versions not stated): gnomAD 0.00001; gnomAD exomes 0.00001 and below 0.00001; ExAC 0.00001; TOPMed 0.00001.

Submissions (3):

Labcorp Genetics (formerly Invitae), Labcorp
Classification: Likely benign for POLD1-related polyposis and colorectal cancer syndrome. Last evaluated: 2025-12-18. Review status: criteria provided, single submitter. Criteria: Invitae Variant Classification Sherloc (09022015). Collection method: clinical testing. Allele origin: germline.

Myriad Genetics, Inc.
Classification: Benign for POLD1-related polyposis and colorectal cancer syndrome. Last evaluated: 2025-02-06. Review status: criteria provided, single submitter. Criteria: Myriad Autosomal Dominant, Autosomal Recessive and X-Linked Classification Criteria (2023). Collection method: clinical testing. Allele origin: unknown.
Comment: This variant is considered benign. This variant is a silent/synonymous amino acid change and it is not expected to impact splicing.

Ambry Genetics
Classification: Likely benign for Hereditary cancer-predisposing syndrome. Last evaluated: 2019-07-31. Review status: criteria provided, single submitter. Criteria: Ambry Variant Classification Scheme 2023. Collection method: clinical testing. Allele origin: germline.

NM_002691.4(POLD1):c.1542G>A (p.Lys514=)

Gene: POLD1 (DNA polymerase delta 1, catalytic subunit; plus strand). Cytogenetic location: 19q13.33.
Variant type: single nucleotide variant.
Coding change: c.1542G>A on transcript NM_002691.4 (MANE Select); coding-DNA position 1542, G replaced by A.
Protein change: p.Lys514=; no amino-acid change (lysine 514 retained).
Molecular consequence: synonymous variant. On other transcripts: non-coding transcript variant (1).
Genome position (GRCh38, 1-based): chr19:50,407,030, G>A. VCF-style: chr19-50407030-G-A. GRCh37 (hg19) VCF-style: chr19-50910287-G-A.
Other names: c.1542G>A, p.Lys514= (NM_001256849.1, NM_001308632.1).
Identifiers: ClinVar variation 408050 (VCV000408050.17), dbSNP rs779864085, ClinGen allele CA9596170.